The following continues an entry in ClinVar:

NM_000238.4(KCNH2):c.2254C>T (p.Arg752Trp)

Gene: KCNH2. ClinVar aggregate classification (germline): Pathogenic/Likely pathogenic. Pathogenic (10); Likely pathogenic (1).

Submissions 9 to 12 of 12:

Laboratory for Molecular Medicine, Mass General Brigham Personalized Medicine
Classification: Pathogenic for Familial long QT syndrome. Last evaluated: 2019-04-05. Review status: criteria provided, single submitter. Criteria: ACMG Guidelines, 2015. Collection method: clinical testing. Allele origin: germline. Inheritance: Autosomal dominant inheritance.
Comment: The p.Arg752Trp variant in KCNH2 has been reported in the heterozygous state in at least 5 individuals with long QT syndrome (LQTS; Splawski et al. 2000; Ficker et al. 2000; Nagaoka et al. 2008; Stattin et al. 2012, Itoh et al. 2016), and segregated with disease in 23 individuals in one family (Ficker et al. 2000). In vitro functional studies provide evidence that the p.Arg752Trp variant may impact protein function by causing decreased trafficking to the cell membrane due to its retention in the endoplasmic reticulum (Ficker et al. 2000; Anderson et al. 2006). Additionally, animal models in zebrafish have shown that this variant causes decreased cardiac repolarization (Jou et al. 2013). This variant has also been reported by other clinical laboratories in ClinVar (Variation ID# 67379), and was absent from large population studies. Other variants at this amino acid position (p.Arg752Gln, Arg752Pro) have been reported in association with LQTS in the Human Gene Mutation Database (HGMD, Stenson 2017). In summary, this variant meets criteria to be classified as pathogenic for LQTS in an autosomal dominant manner based upon presence in multiple affected individuals, segregation studies, absence from controls, and functional evidence. The ACMG/AMP criteria applied: PS3_Moderate; PS4_Supporting; PP1_Strong; PM5; PM2; PP3.

Women's Health and Genetics/Laboratory Corporation of America, LabCorp
Classification: Pathogenic for Long QT syndrome. Last evaluated: 2018-07-09. Review status: criteria provided, single submitter. Criteria: LabCorp Variant Classification Summary - May 2015. Collection method: clinical testing. Allele origin: germline.
Comment: Variant summary: KCNH2 c.2254C>T (p.Arg752Trp) results in a non-conservative amino acid change located in the Cyclic nucleotide-binding domain of the encoded protein sequence. Five of five in-silico tools predict a damaging effect of the variant on protein function. This was functionally supported by the observation of an increased duration of action potential (APD) and lower amplitude of the rapid component (IKr) of the delayed rectifier potassium channel (hERG) observed in induced pluripotent stem cellderived cardiomyocytes (iPSC-CMs) derived from affected patients (Chai_2018). The variant was absent in 276286 control chromosomes (gnomAD). The variant, c.2254C>T, has been reported in the literature in multiple individuals affected with Long QT Syndrome including at-least two LQTS families which segregated with disease (Chai_2018, Nagaoka_2008). These data indicate that the variant is very likely to be associated with disease. Four ClinVar submissions from clinical diagnostic laboratories (evaluation after 2014) cite the variant as "likely pathogenic/pathogenic." Based on the evidence outlined above, the variant was classified as pathogenic.

Stanford Center for Inherited Cardiovascular Disease, Stanford University
Classification: Pathogenic. Last evaluated: 2013-10-31. Review status: criteria provided, single submitter. Criteria: ACMG Guidelines, 2015. Collection method: provider interpretation. Allele origin: germline.

Cardiovascular Biomedical Research Unit, Royal Brompton & Harefield NHS Foundation Trust
No classification provided. Condition: Familial long QT syndrome. Review status: no classification provided. Collection method: literature only. Allele origin: germline. Not counted in ClinVar's aggregate classification.
Comment: This variant has been reported as associated with Long QT syndrome in the following publications (PMID:10973849;PMID:11009462;PMID:11854117;PMID:16432067;PMID:18441445). This is a literature report, and does not necessarily reflect the clinical interpretation of the Imperial College / Royal Brompton Cardiovascular Genetics laboratory.

Literature cited by the submitters: PubMed 10973849 (cited by 7 submitters); PubMed 11009462 (cited by 7 submitters); PubMed 18441445 (cited by 8 submitters); PubMed 16432067 (cited by 7 submitters); PubMed 23303164 (cited by 5 submitters); PubMed 12621127 (cited by Labcorp Genetics (formerly Invitae), Labcorp); PubMed 25417810 (cited by Labcorp Genetics (formerly Invitae), Labcorp); PubMed 23098067 (cited by Ambry Genetics and Laboratory for Molecular Medicine, Mass General Brigham Personalized Medicine); PubMed 28794082 (cited by Ambry Genetics); PubMed 1100946 (cited by All of Us Research Program, National Institutes of Health and Color Diagnostics, LLC DBA Color Health); PubMed 11854117 (cited by 3 submitters); PubMed 31557540 (cited by 3 submitters); PubMed 32893267 (cited by All of Us Research Program, National Institutes of Health and Color Diagnostics, LLC DBA Color Health); PubMed 33029862 (cited by All of Us Research Program, National Institutes of Health and Color Diagnostics, LLC DBA Color Health); PubMed 29431731 (cited by 3 submitters); PubMed 30291343 (cited by Mayo Clinic Laboratories, Mayo Clinic); PubMed 28349240 (cited by Laboratory for Molecular Medicine, Mass General Brigham Personalized Medicine); PubMed 26669661 (cited by Laboratory for Molecular Medicine, Mass General Brigham Personalized Medicine); PubMed 22581653 (cited by Cardiovascular Biomedical Research Unit, Royal Brompton & Harefield NHS Foundation Trust).